The following is an entry in ClinVar:

NM_001001433.3(STX16):c.*3194C>T

Genes: STX16 (syntaxin 16; plus strand), STX16-NPEPL1 (STX16-NPEPL1 readthrough (NMD candidate); plus strand). Cytogenetic location: 20q13.32.
Variant type: single nucleotide variant.
Coding change: c.*3194C>T on transcript NM_001001433.3 (MANE Select); 3194 bases downstream of the stop codon, C replaced by T.
Molecular consequence: 3 prime UTR variant. On other transcripts: non-coding transcript variant (3).
Genome position (GRCh38, 1-based): chr20:58,679,485, C>T. VCF-style: chr20-58679485-C-T. GRCh37 (hg19) VCF-style: chr20-57254541-C-T.
Other names: c.*3194C>T (NM_001134772.3, NM_001134773.3, NM_001204868.2 and 1 more transcripts).
Identifiers: ClinVar variation 898659 (VCV000898659.4), dbSNP rs142088857, ClinGen allele CA316315234.

ClinVar aggregate classification (germline): Benign (1 of 4 stars; one submission).

Conditions:
Pseudohypoparathyroidism type 1B (PHP1B). Also called: Pseudohypoparathyroidism Ib (PHP-Ib); Pseudohypoparathyroidism Type IB; PHP IB. Identifiers: Orphanet 94089, MedGen C1864100, MONDO:0011301, OMIM 603233.

Allele frequency attached by ClinVar (database versions not stated): 1000 Genomes Project 0.00220; 1000 Genomes Project 30x 0.00234; gnomAD 0.00377 and 0.00412; TOPMed 0.00442.

Submission:

Illumina Laboratory Services, Illumina
Classification: Benign for Pseudohypoparathyroidism type 1B. Last evaluated: 2018-01-12. Review status: criteria provided, single submitter. Criteria: ICSL Variant Classification Criteria 13 December 2019. Collection method: clinical testing. Allele origin: germline.
Comment: This variant was observed in the ICSL laboratory as part of a predisposition screen in an ostensibly healthy population. It had not been previously curated by ICSL or reported in the Human Gene Mutation Database (HGMD: prior to June 1st, 2018), and was therefore a candidate for classification through an automated scoring system. Utilizing variant allele frequency, disease prevalence and penetrance estimates, and inheritance mode, an automated score was calculated to assess if this variant is too frequent to cause the disease. Based on the score and internal cut-off values, a variant classified as benign is not then subjected to further curation. The score for this variant resulted in a classification of benign for this disease.